The following is an entry in ClinVar:

NM_000023.4(SGCA):c.464del (p.Ser155fs)

Gene: SGCA (sarcoglycan alpha; plus strand). Cytogenetic location: 17q21.33.
Variant type: Deletion.
Coding change: c.464del on transcript NM_000023.4 (MANE Select); coding-DNA position 464, one base deleted (G; older notation c.464delG).
Protein change: p.Ser155fs; shifts the reading frame from serine 155.
Molecular consequence: frameshift variant. On other transcripts: non-coding transcript variant (1).
Genome position (GRCh38, 1-based): chr17:50,168,452, G deleted. VCF-style (leftmost placement, unchanged base first): chr17-50168451-AG-A. GRCh37 (hg19) VCF-style: chr17-48245812-AG-A.
Other names: c.464del, p.Ser155fs (NM_001135697.3); short protein forms S155fs.
Identifiers: ClinVar variation 555272 (VCV000555272.12), dbSNP rs1555568775, ClinGen allele CA658824851.
Genomic context (GRCh38, chr17:50,168,451, plus strand): 5'-CAAGCCGAGTTCCTGGTGCGCAGCCACGATGCGGAGGAGGTGCTGCCCTCAACACCTGCC[AG>A]CCGCTTCCTCTCAGCCTTGGGGGGACTCTGGGAGCCCGGAGAGCTTCAGCTGCTCAACGT-3'

ClinVar aggregate classification (germline): Pathogenic/Likely pathogenic. Review status: criteria provided, multiple submitters, no conflicts (2 of 4 stars). 5 submissions from 5 submitters: Pathogenic (2); Likely pathogenic (2). 1 of the submissions does not count toward it. Last evaluated 2025-03-20.

Conditions:
Autosomal recessive limb-girdle muscular dystrophy type 2D (LGMDR3). Also called: ADHALINOPATHY, PRIMARY; DUCHENNE-LIKE AUTOSOMAL RECESSIVE MUSCULAR DYSTROPHY, TYPE 2; MUSCULAR DYSTROPHY, LIMB-GIRDLE, AUTOSOMAL RECESSIVE 3. Identifiers: Orphanet 62, MedGen C2936332, MONDO:0011968, OMIM 608099. Disease mechanism: Affects gamma-sarcoglycan and also disrupts the integrity of the entire sarcoglycan complex..

Allele frequency attached by ClinVar (database versions not stated): gnomAD exomes below 0.00001.

Submissions (5):

Revvity Omics, Revvity
Classification: Likely pathogenic for Autosomal recessive limb-girdle muscular dystrophy type 2D. Last evaluated: 2025-03-20. Review status: criteria provided, single submitter. Criteria: ACMG Guidelines, 2015. Collection method: clinical testing. Allele origin: germline.

Baylor Genetics
Classification: Likely pathogenic for Autosomal recessive limb-girdle muscular dystrophy type 2D. Last evaluated: 2024-02-26. Review status: criteria provided, single submitter. Criteria: ACMG Guidelines, 2015. Collection method: clinical testing. Allele origin: unknown.

Labcorp Genetics (formerly Invitae), Labcorp
Classification: Pathogenic for Autosomal recessive limb-girdle muscular dystrophy type 2D. Last evaluated: 2023-10-17. Review status: criteria provided, single submitter. Criteria: Invitae Variant Classification Sherloc (09022015). Collection method: clinical testing. Allele origin: germline.
Comment: This sequence change creates a premature translational stop signal (p.Ser155Thrfs*56) in the SGCA gene. It is expected to result in an absent or disrupted protein product. Loss-of-function variants in SGCA are known to be pathogenic (PMID: 9192266). This variant is not present in population databases (gnomAD no frequency). This variant has not been reported in the literature in individuals affected with SGCA-related conditions. ClinVar contains an entry for this variant (Variation ID: 555272). Algorithms developed to predict the effect of sequence changes on RNA splicing suggest that this variant may create or strengthen a splice site. For these reasons, this variant has been classified as Pathogenic.

Genome-Nilou Lab
Classification: Pathogenic for Autosomal recessive limb-girdle muscular dystrophy type 2D. Last evaluated: 2023-02-08. Review status: criteria provided, single submitter. Criteria: ACMG Guidelines, 2015. Collection method: clinical testing. Allele origin: germline.

Counsyl
Classification: Likely pathogenic for Autosomal recessive limb-girdle muscular dystrophy type 2D. Last evaluated: 2017-11-27. Review status: no assertion criteria provided. Collection method: clinical testing. Allele origin: unknown. Not counted in ClinVar's aggregate classification.

Literature cited by the submitters: PubMed 9192266 (cited by Labcorp Genetics (formerly Invitae), Labcorp).